The following is an entry in ClinVar:

ClinVar aggregate classification (germline): Uncertain significance (1 of 4 stars; one submission).

Submission:

Ambry Genetics
Classification: Uncertain significance. Last evaluated: 2025-12-20. Review status: criteria provided, single submitter. Criteria: Ambry Variant Classification Scheme 2023. Collection method: clinical testing. Allele origin: germline.
Comment: The p.A470T variant (also known as c.1408G>A), located in coding exon 11 of the RECQL gene, results from a G to A substitution at nucleotide position 1408. The alanine at codon 470 is replaced by threonine, an amino acid with similar properties. This amino acid position is conserved. In addition, this alteration is predicted to be tolerated by in silico analysis. Based on the available evidence, the clinical significance of this variant remains unclear.

NM_002907.4(RECQL):c.1408G>A (p.Ala470Thr)

Gene: RECQL (RecQ like helicase; minus strand). Cytogenetic location: 12p12.1.
Variant type: single nucleotide variant.
Coding change: c.1408G>A on transcript NM_002907.4 (MANE Select); coding-DNA position 1408, G replaced by A.
Protein change: p.Ala470Thr; replaces alanine 470 with threonine.
Molecular consequence: missense variant.
Genome position (GRCh38, 1-based): chr12:21,473,590, C>T on the plus strand (G>A on the coding strand, the complement: RECQL is on the minus strand). VCF-style: chr12-21473590-C-T. GRCh37 (hg19) VCF-style: chr12-21626524-C-T.
Other names: c.1408G>A, p.Ala470Thr (NM_032941.3); short protein forms A470T.
Identifiers: ClinVar variation 4828960 (VCV004828960.1).